The following is an entry in ClinVar:

NM_015175.3(NBEAL2):c.6879C>T (p.Ala2293=)

Gene: NBEAL2 (neurobeachin like 2; plus strand). Cytogenetic location: 3p21.31.
Variant type: single nucleotide variant.
Coding change: c.6879C>T on transcript NM_015175.3 (MANE Select); coding-DNA position 6879, C replaced by T.
Protein change: p.Ala2293=; no amino-acid change (alanine 2293 retained).
Molecular consequence: synonymous variant.
Genome position (GRCh38, 1-based): chr3:47,006,023, C>T. VCF-style: chr3-47006023-C-T. GRCh37 (hg19) VCF-style: chr3-47047513-C-T.
Other names: c.6777C>T, p.Ala2259= (NM_001365116.2).
Identifiers: ClinVar variation 3049557 (VCV003049557.2), dbSNP rs150552768, ClinGen allele CA2361980.

ClinVar aggregate classification (germline): Likely benign (0 of 4 stars; one submission).

Conditions:
NBEAL2-related disorder. Also called: NBEAL2-related condition.

Allele frequency attached by ClinVar (database versions not stated): 1000 Genomes Project 30x 0.00016; ESP Exome Variant Server 0.00016; 1000 Genomes Project 0.00020; ExAC 0.00023; gnomAD 0.00027; TOPMed 0.00029.
gnomAD v4.1: 257 of 1,613,736 alleles (0.016%); highest among the groups gnomAD compares: Admixed American, 0.077%; no homozygotes.

Submission:

PreventionGenetics, part of Exact Sciences
Classification: Likely benign for NBEAL2-related condition. Last evaluated: 2019-03-29. Review status: no assertion criteria provided. Collection method: clinical testing. Allele origin: germline.
Comment: This variant is classified as likely benign based on ACMG/AMP sequence variant interpretation guidelines (Richards et al. 2015 PMID: 25741868, with internal and published modifications).